The following is an entry in ClinVar:

NM_018685.5(ANLN):c.458G>A (p.Arg153Gln)

Gene: ANLN (anillin, actin binding protein; plus strand). Cytogenetic location: 7p14.2.
Variant type: single nucleotide variant.
Coding change: c.458G>A on transcript NM_018685.5 (MANE Select); coding-DNA position 458, G replaced by A.
Protein change: p.Arg153Gln; replaces arginine 153 with glutamine.
Molecular consequence: missense variant.
Genome position (GRCh38, 1-based): chr7:36,399,364, G>A. VCF-style: chr7-36399364-G-A. GRCh37 (hg19) VCF-style: chr7-36438973-G-A.
Other names: c.458G>A, p.Arg153Gln (NM_001284301.3, NM_001284302.3); short protein forms R153Q.
Identifiers: ClinVar variation 4711688 (VCV004711688.1).

ClinVar aggregate classification (germline): Uncertain significance (1 of 4 stars; one submission).

gnomAD v4.1: 10 of 1,612,534 alleles (0.00062%); highest among the groups gnomAD compares: East Asian, 0.0045%; no homozygotes.

Submission:

Labcorp Genetics (formerly Invitae), Labcorp
Classification: Uncertain significance. Last evaluated: 2025-05-04. Review status: criteria provided, single submitter. Criteria: Invitae Variant Classification Sherloc (09022015). Collection method: clinical testing. Allele origin: germline.
Comment: This sequence change replaces arginine, which is basic and polar, with glutamine, which is neutral and polar, at codon 153 of the ANLN protein (p.Arg153Gln). This variant is present in population databases (rs576328951, gnomAD 0.01%). This variant has not been reported in the literature in individuals affected with ANLN-related conditions. An algorithm developed to predict the effect of missense changes on protein structure and function (PolyPhen-2) suggests that this variant is likely to be disruptive. In summary, the available evidence is currently insufficient to determine the role of this variant in disease. Therefore, it has been classified as a Variant of Uncertain Significance.